The following is an entry in ClinVar:

ClinVar aggregate classification (germline): Uncertain significance (1 of 4 stars; one submission).

Conditions:
Koolen-de Vries syndrome (KDVS). Identifiers: Orphanet 96169, MedGen C1864871, MONDO:0012496, OMIM 610443.

Allele frequency attached by ClinVar (database versions not stated): gnomAD exomes below 0.00001; TOPMed 0.00001; gnomAD 0.00002.
gnomAD v4.1: 9 of 1,611,440 alleles (0.00056%); highest among the groups gnomAD compares: South Asian, 0.0011%; no homozygotes.

Submission:

Labcorp Genetics (formerly Invitae), Labcorp
Classification: Uncertain significance for Koolen-de Vries syndrome. Last evaluated: 2022-08-22. Review status: criteria provided, single submitter. Criteria: Invitae Variant Classification Sherloc (09022015). Collection method: clinical testing. Allele origin: germline.
Comment: This sequence change replaces arginine, which is basic and polar, with histidine, which is basic and polar, at codon 1101 of the KANSL1 protein (p.Arg1101His). In summary, the available evidence is currently insufficient to determine the role of this variant in disease. Therefore, it has been classified as a Variant of Uncertain Significance. Algorithms developed to predict the effect of missense changes on protein structure and function are either unavailable or do not agree on the potential impact of this missense change (SIFT: "Tolerated"; PolyPhen-2: "Probably Damaging"; Align-GVGD: "Class C0"). This variant has not been reported in the literature in individuals affected with KANSL1-related conditions. This variant is present in population databases (no rsID available, gnomAD 0.05%), and has an allele count higher than expected for a pathogenic variant.

NM_015443.4(KANSL1):c.3302G>A (p.Arg1101His)

Gene: KANSL1 (KAT8 regulatory NSL complex subunit 1). Cytogenetic location: 17q21.31.
Variant type: single nucleotide variant.
Coding change: c.3302G>A on transcript NM_015443.4 (MANE Select); coding-DNA position 3302, G replaced by A.
Protein change: p.Arg1101His; replaces arginine 1101 with histidine.
Molecular consequence: missense variant.
Genome position (GRCh38, 1-based): chr17:46,031,492, C>T on the plus strand (G>A on the coding strand, the complement: KANSL1 is on the minus strand). VCF-style: chr17-46031492-C-T. GRCh37 (hg19) VCF-style: chr17-44108858-C-T.
Other names: c.3299G>A, p.Arg1100His (NM_001193465.2, NM_001405856.1, NM_001405857.1 and 1 more transcripts); c.3302G>A, p.Arg1101His (NM_001193466.2, NM_001379198.1, NM_001405854.1 and 1 more transcripts); c.3200G>A, p.Arg1067His (NM_001405859.1, NM_001405860.1); c.3197G>A, p.Arg1066His (NM_001405861.1); c.3170G>A, p.Arg1057His (NM_001405872.1, NM_001405873.1, NM_001405874.1); c.3113G>A, p.Arg1038His (NM_001405875.1, NM_001405876.1, NM_001405877.1 and 1 more transcripts); c.3110G>A, p.Arg1037His (NM_001405879.1, NM_001405880.1); c.3065G>A, p.Arg1022His (NM_001405881.1); and 4 more; short protein forms R1022H, R1037H, R1038H, R1067H, R1066H, R615H, R616H, R679H.
Identifiers: ClinVar variation 2124197 (VCV002124197.4), dbSNP rs1289935394, ClinGen allele CA399985448.
Genomic context (GRCh38, chr17:46,031,492, plus strand): 5'-TAATGCCAATAGTTAGTGAGTCTGTTTAGATGGCTGTCTCCCGCTCATCTGTGAGTCGGG[C>T]GCTGAGCTGTGGCTGCTGCCACCAGATGCCGACTCTTGAGGGGGACAATGGGAGGCGAGG-3'
Protein context (NP_056258.1, residues 1091-1105): RHLVAAATAQ[Arg1101His]PTHR